The following is an entry in ClinVar:

ClinVar aggregate classification (germline): Pathogenic (1 of 4 stars; one submission).

Conditions:
Mucopolysaccharidosis, MPS-II (MPS2). Also called: Mucopolysaccharidosis type 2; IDS deficiency; Sulfoiduronate sulfatase deficiency; SIDS deficiency; Mucopolysaccharidosis with skin involvement; Severe MPS II. Identifiers: Orphanet 580, Orphanet 79388, MedGen C0026705, MONDO:0010674, OMIM 309900.

Submission:

Labcorp Genetics (formerly Invitae), Labcorp
Classification: Pathogenic for Mucopolysaccharidosis, MPS-II. Last evaluated: 2018-12-21. Review status: criteria provided, single submitter. Criteria: Invitae Variant Classification Sherloc (09022015). Collection method: clinical testing. Allele origin: germline.
Comment: This variant is a gross deletion of the genomic region encompassing exons 1-5 of the IDS gene, which includes the initiator codon. The 5' end of this event is unknown as it extends beyond the assayed region for this gene and therefore may encompass additional genes. The 3' boundary is likely confined to intron 5 of the IDS gene. This is expected to result in an absent or disrupted protein product. This variant has not been reported in the literature in individuals with IDS-related disease. Loss-of-function variants in IDS are known to be pathogenic (PMID: 8940265, 9875019). For these reasons, this variant has been classified as Pathogenic.

NC_000023.10:g.(?_148579618)_(148586687_?)del

Gene: IDS (iduronate 2-sulfatase; minus strand). Cytogenetic location: Xq28.
Variant type: Deletion.
Identifiers: ClinVar variation 645359 (VCV000645359.1).